The following is an entry in ClinVar:

ClinVar aggregate classification (germline): Conflicting classifications of pathogenicity. Review status: criteria provided, conflicting classifications (1 of 4 stars). 9 submissions from 9 submitters: Likely pathogenic (1); Uncertain significance (6). 2 of the submissions do not count toward it. Last evaluated 2026-04-25.

Conditions:
PKD1-related disorder. Also called: PKD1-related condition.
Polycystic kidney disease, adult type (PKD1). Also called: POLYCYSTIC KIDNEY DISEASE, ADULT, TYPE I; Polycystic Kidney, Autosomal Dominant; POLYCYSTIC KIDNEY DISEASE 1 WITH OR WITHOUT POLYCYSTIC LIVER DISEASE; Polycystic Kidney Disease 1, Autosomal Dominant; Polycystic kidney disease 1; Polycystic kidney disease 1, severe. Identifiers: MedGen C3149841, MONDO:0008263, OMIM 173900.

Allele frequency attached by ClinVar (database versions not stated): ExAC below 0.00001; gnomAD 0.00003 and 0.00006; gnomAD exomes 0.00003 and 0.00007; TOPMed 0.00009; 1000 Genomes Project 0.00060; 1000 Genomes Project 30x 0.00078.
gnomAD v4.1: 45 of 1,575,752 alleles (0.0029%); highest among the groups gnomAD compares: Middle Eastern, 0.046%; no homozygotes.

Submissions (9):

Dasa
Classification: Uncertain significance for Polycystic kidney disease, adult type. Last evaluated: 2026-04-25. Review status: criteria provided, single submitter. Criteria: DASA Assertion Criteria. Collection method: clinical testing. Allele origin: germline.
Comment: NM_001009944.3(PKD1):c.3496G>A (p.Gly1166Ser) is a missense variant that results in the substitution of glycine with serine. This variant has been recurrently observed in individuals with Polycystic kidney disease, adult type (PMID: 19759016; PMID: 11012875; PMID: 39634429). Functional evidence supports an impact on the gene or gene product (PMID: 19759016; PMID: 11012875; PMID: 39634429). Also, this variant is rare in population databases. The currently available literature and clinical evidence are not sufficient to establish a definitive association between this variant and the reported condition. Therefore, this variant is classified as a variant of uncertain significance.

Mayo Clinic Laboratories, Mayo Clinic
Classification: Uncertain significance. Last evaluated: 2025-08-31. Review status: criteria provided, single submitter. Criteria: ACMG Guidelines, 2015. Collection method: clinical testing. Allele origin: germline. Observed: 2 variant alleles.
Comment: PM1, PS4_supporting

Department of Pathology and Laboratory Medicine, Sinai Health System
Classification: Uncertain significance for Polycystic kidney disease, adult type. Last evaluated: 2024-07-02. Review status: criteria provided, single submitter. Criteria: ACMG Guidelines, 2015. Collection method: clinical testing. Allele origin: germline.

GeneDx
Classification: Uncertain significance. Last evaluated: 2022-06-23. Review status: criteria provided, single submitter. Criteria: GeneDx Variant Classification Process June 2021. Collection method: clinical testing. Allele origin: germline. Affected: yes.
Comment: Published functional studies demonstrate a strong destabilizing effect on the protein (Ma et al., 2009); In silico analysis supports that this missense variant does not alter protein structure/function; This variant is associated with the following publications: (PMID: 19759016, 25365220, 31589614, 11012875)

Mendelics
Classification: Uncertain significance for Polycystic kidney disease, adult type. Last evaluated: 2019-05-28. Review status: criteria provided, single submitter. Criteria: Mendelics Assertion Criteria 2017. Collection method: clinical testing. Allele origin: unknown.

ARUP Laboratories, Molecular Genetics and Genomics, ARUP Laboratories
Classification: Likely pathogenic. Last evaluated: 2018-04-17. Review status: criteria provided, single submitter. Criteria: ARUP Molecular Germline Variant Investigation Process. Collection method: clinical testing. Allele origin: germline.
Comment: The PKD1 c.3496G>A, p.Gly1166Ser variant (rs573566419) has been reported in a patient diagnosed with autosomal dominant polycystic kidney disease (Phakdeekitcharoen 2000), and is considered likely pathogenic by the Mayo ADPKD variant database. It is observed at a low frequency of 0.004% (8/177768 alleles) in the Genome Aggregation Database, but is considered a low confidence variant in the database. The glycine at residue 1166 is highly conserved, but computational algorithms (PolyPhen-2: possibly damaging; SIFT: tolerated) are inconclusive on the variant's impact on the protein. Functional characterization of the variant in archaea ortholog of the PKD domain shows reduced thermodynamic and mechanical stability (Ma 2009), consistent with protein structure analyses predicting a disruption of the PKD domain (Ma 2009, Phakdeekitcharoen 2000). Based on the above information, the variant is classified as likely pathogenic. References: Mayo ADPKD variant database: Ma L et al. Naturally occurring mutations alter the stability of polycystin-1 polycystic kidney disease (PKD) domains. J Biol Chem. 2009; 284(47):32942-9. Phakdeekitcharoen B et al. Thirteen novel mutations of the replicated region of PKD1 in an Asian population. Kidney Int. 2000; 58(4):1400-12.

Juno Genomics, Hangzhou Juno Genomics, Inc
Classification: Uncertain significance for Polycystic kidney disease, adult type. Review status: criteria provided, single submitter. Criteria: ACMG Guidelines, 2015. Collection method: clinical testing. Allele origin: germline.
Comment: Absent from controls (or at extremely low frequency if recessive) in Genome Aggregation Database.;Located in a mutational hot spot and/or critical and well-established functional domain without benign variation.

PreventionGenetics, part of Exact Sciences
Classification: Uncertain significance for PKD1-related condition. Last evaluated: 2024-04-17. Review status: no assertion criteria provided. Collection method: clinical testing. Allele origin: germline. Not counted in ClinVar's aggregate classification.
Comment: The PKD1 c.3496G>A variant is predicted to result in the amino acid substitution p.Gly1166Ser. This variant was reported in 2 individuals with polycystic kidney disease 1 (Phakdeekitcharoen et al. 2000. PubMed ID: 11012875; Ma et al 2009. PubMed ID: 19759016)  and found in another individual per carrier screening (Table S1, Capalbo et al. 2019. PubMed ID: 31589614).  The p.Gly1166Ser variant is located in a highly predicted conserved motif of the PKD1 protein (Cai et al. 2014. PubMed ID: 25365220).This variant is reported in 0.043% of alleles in individuals of East Asian descent in gnomAD. At this time, the clinical significance of this variant is uncertain due to the absence of conclusive functional and genetic evidence.

Gharavi Laboratory, Columbia University
Classification: Uncertain significance. Last evaluated: 2018-09-16. Review status: no assertion criteria provided. Criteria: ACMG Guidelines, 2015. Collection method: research. Allele origin: germline. Affected: no. Not counted in ClinVar's aggregate classification.

Literature cited by the submitters: PubMed 19759016 (cited by 3 submitters); PubMed 11012875 (cited by 3 submitters); PubMed 39634429 (cited by Dasa); PubMed 25365220 (cited by Mayo Clinic Laboratories, Mayo Clinic); PubMed 30476936 (cited by Mayo Clinic Laboratories, Mayo Clinic); PubMed 31589614 (cited by Mayo Clinic Laboratories, Mayo Clinic).

NM_001009944.3(PKD1):c.3496G>A (p.Gly1166Ser)

Gene: PKD1 (polycystin 1, transient receptor potential channel interacting; minus strand). Cytogenetic location: 16p13.3.
Variant type: single nucleotide variant.
Coding change: c.3496G>A on transcript NM_001009944.3 (MANE Select); coding-DNA position 3496, G replaced by A.
Protein change: p.Gly1166Ser; replaces glycine 1166 with serine.
Molecular consequence: missense variant.
Genome position (GRCh38, 1-based): chr16:2,111,671, C>T on the plus strand (G>A on the coding strand, the complement: PKD1 is on the minus strand). VCF-style: chr16-2111671-C-T. GRCh37 (hg19) VCF-style: chr16-2161672-C-T.
Other names: c.3496G>A, p.Gly1166Ser (NM_000296.4); short protein forms G1166S.
Identifiers: ClinVar variation 440121 (VCV000440121.21), dbSNP rs573566419, ClinGen allele CA7832751.